The following is an entry in ClinVar:

ClinVar aggregate classification (germline): Likely benign. Review status: criteria provided, multiple submitters, no conflicts (2 of 4 stars). 3 submissions from 3 submitters: Likely benign (3). Last evaluated 2023-04-03.

Conditions:
Cardiomyopathy (CMYO). Also called: Cardiomyopathies. Identifiers: Orphanet 167848, MedGen C0878544, MONDO:0004994, HP:0001638. Inheritance: Various modes of inheritance.
Hypertrophic cardiomyopathy. Also called: HYPERTROPHIC MYOCARDIOPATHY. Identifiers: Orphanet 217569, MedGen C0007194, MeSH D002312, MONDO:0005045, HP:0001639.

Allele frequency attached by ClinVar (database versions not stated): gnomAD exomes below 0.00001 and 0.00001; TOPMed below 0.00001; gnomAD 0.00001; ExAC 0.00002; 1000 Genomes Project 30x 0.00016; 1000 Genomes Project 0.00020.
gnomAD v4.1: 7 of 1,612,048 alleles (0.00043%); highest among the groups gnomAD compares: South Asian, 0.0022%; no homozygotes.

Submissions (3):

All of Us Research Program, National Institutes of Health
Classification: Likely benign for Cardiomyopathy. Last evaluated: 2023-04-03. Review status: criteria provided, single submitter. Criteria: ACMG Guidelines, 2015. Collection method: clinical testing. Allele origin: germline. Inheritance: Autosomal dominant inheritance. Observed: 1 variant allele, 1 heterozygote.
Comment: This study involves interpretation of variants in research participants for the purpose of population health screening. Participant phenotype was not available at the time of variant classification. Additional details can be found in publication PMID: 35346344, PMCID: PMC8962531

Labcorp Genetics (formerly Invitae), Labcorp
Classification: Likely benign for Hypertrophic cardiomyopathy. Last evaluated: 2023-02-19. Review status: criteria provided, single submitter. Criteria: Invitae Variant Classification Sherloc (09022015). Collection method: clinical testing. Allele origin: germline.

Color Diagnostics, LLC DBA Color Health
Classification: Likely benign for Cardiomyopathy. Last evaluated: 2019-02-16. Review status: criteria provided, single submitter. Criteria: ACMG Guidelines, 2015. Collection method: clinical testing. Allele origin: germline.

NM_000257.4(MYH7):c.531-15C>A

Gene: MYH7 (myosin heavy chain 7; minus strand). Cytogenetic location: 14q11.2.
Variant type: single nucleotide variant.
Coding change: c.531-15C>A on transcript NM_000257.4 (MANE Select); 15 bases into the intron before coding-DNA position 531, C replaced by A.
Molecular consequence: intron variant.
Genome position (GRCh38, 1-based): chr14:23,431,884, G>T on the plus strand (C>A on the coding strand, the complement: MYH7 is on the minus strand). VCF-style: chr14-23431884-G-T. GRCh37 (hg19) VCF-style: chr14-23901093-G-T.
Identifiers: ClinVar variation 920265 (VCV000920265.6), dbSNP rs559147441, ClinGen allele CA046322.